The following is an entry in ClinVar:

NM_001365951.3(KIF1B):c.4472A>T (p.Glu1491Val)

Gene: KIF1B (kinesin family member 1B; plus strand). Cytogenetic location: 1p36.22.
Variant type: single nucleotide variant.
Coding change: c.4472A>T on transcript NM_001365951.3 (MANE Select); coding-DNA position 4472, A replaced by T.
Protein change: p.Glu1491Val; replaces glutamic acid 1491 with valine.
Molecular consequence: missense variant.
Genome position (GRCh38, 1-based): chr1:10,365,205, A>T. VCF-style: chr1-10365205-A-T. GRCh37 (hg19) VCF-style: chr1-10425263-A-T.
Other names: c.4472A>T, p.Glu1491Val (NM_001365952.1); c.4334A>T, p.Glu1445Val (NM_015074.3); short protein forms E1445V, E1491V.
Identifiers: ClinVar variation 1739801 (VCV001739801.2), dbSNP rs764175781, ClinGen allele CA582082.

ClinVar aggregate classification (germline): Uncertain significance (1 of 4 stars; one submission).

Allele frequency attached by ClinVar (database versions not stated): gnomAD exomes below 0.00001; ExAC 0.00001.
gnomAD v4.1: 1 of 1,614,050 alleles (0.000062%); highest among the groups gnomAD compares: Admixed American, 0.0017%; no homozygotes.

Submission:

Ambry Genetics
Classification: Uncertain significance. Last evaluated: 2022-09-13. Review status: criteria provided, single submitter. Criteria: Ambry Variant Classification Scheme 2023. Collection method: clinical testing. Allele origin: germline.
Comment: The p.E1445V variant (also known as c.4334A>T), located in coding exon 39 of the KIF1B gene, results from an A to T substitution at nucleotide position 4334. The glutamic acid at codon 1445 is replaced by valine, an amino acid with dissimilar properties. This amino acid position is conserved. In addition, this alteration is predicted to be deleterious by in silico analysis. Since supporting evidence is limited at this time, the clinical significance of this alteration remains unclear.